The following is an entry in ClinVar:

ClinVar aggregate classification (germline): Benign/Likely benign. Review status: criteria provided, multiple submitters, no conflicts (2 of 4 stars). 4 submissions from 4 submitters: Benign (1); Likely benign (3). Last evaluated 2019-12-31.

Conditions:
Ovarian dysgenesis 2 (ODG2). Also called: OVARIAN DYSGENESIS, HYPERGONADOTROPIC, X-LINKED; OVARIAN FAILURE, HYPERGONADOTROPIC, DUE TO OVARIAN DYSGENESIS. Identifiers: Orphanet 243, MedGen C1845294, MONDO:0010349, OMIM 300510.

Allele frequency attached by ClinVar (database versions not stated): gnomAD exomes 0.00112 and 0.00317; ExAC 0.00339; gnomAD 0.00771 and 0.00825; ESP Exome Variant Server 0.00918; TOPMed 0.00973; 1000 Genomes Project 0.01086; 1000 Genomes Project 30x 0.01103.
gnomAD v4.1: 2,136 of 1,208,918 alleles (0.18%); highest among the groups gnomAD compares: African/African-American, 2.5%; 14 homozygotes.

Submissions (4):

Labcorp Genetics (formerly Invitae), Labcorp
Classification: Benign. Last evaluated: 2019-12-31. Review status: criteria provided, single submitter. Criteria: Invitae Variant Classification Sherloc (09022015). Collection method: clinical testing. Allele origin: germline.

GeneDx
Classification: Likely benign. Last evaluated: 2018-06-05. Review status: criteria provided, single submitter. Criteria: GeneDx Variant Classification (06012015). Collection method: clinical testing. Allele origin: germline. Affected: yes.
Comment: This variant is considered likely benign or benign based on one or more of the following criteria: it is a conservative change, it occurs at a poorly conserved position in the protein, it is predicted to be benign by multiple in silico algorithms, and/or has population frequency not consistent with disease.

Illumina Laboratory Services, Illumina
Classification: Likely benign for Ovarian dysgenesis 2. Last evaluated: 2017-04-28. Review status: criteria provided, single submitter. Criteria: ICSL Variant Classification Criteria 13 December 2019. Collection method: clinical testing. Allele origin: germline.
Comment: This variant was observed as part of a predisposition screen in an ostensibly healthy population. A literature search was performed for the gene, cDNA change, and amino acid change (where applicable). Publications were found based on this search. The evidence from the literature, in combination with allele frequency data from public databases where available, was sufficient to determine this variant is unlikely to cause disease. Therefore, this variant is classified as likely benign.

Breakthrough Genomics
Classification: Likely benign. Review status: criteria provided, single submitter. Criteria: ACMG Guidelines, 2015. Collection method: not provided. Allele origin: germline. Inheritance: X-linked inheritance. Affected: yes.

Literature cited by the submitters: PubMed 16645022 (cited by Illumina Laboratory Services, Illumina); PubMed 16464940 (cited by Illumina Laboratory Services, Illumina); PubMed 20364024 (cited by Illumina Laboratory Services, Illumina); PubMed 19263482 (cited by Illumina Laboratory Services, Illumina).

NM_005448.2(BMP15):c.443T>C (p.Leu148Pro)

Gene: BMP15 (bone morphogenetic protein 15; plus strand). Cytogenetic location: Xp11.22.
Variant type: single nucleotide variant.
Coding change: c.443T>C on transcript NM_005448.2 (MANE Select); coding-DNA position 443, T replaced by C.
Protein change: p.Leu148Pro; replaces leucine 148 with proline.
Molecular consequence: missense variant.
Genome position (GRCh38, 1-based): chrX:50,915,871, T>C. VCF-style: chrX-50915871-T-C. GRCh37 (hg19) VCF-style: chrX-50658871-T-C.
Other names: short protein forms L148P.
Identifiers: ClinVar variation 368538 (VCV000368538.11), dbSNP rs114823607, ClinGen allele CA10416545.